The following is an entry in ClinVar:

NM_001330.5(CTF1):c.356T>G (p.Leu119Arg)

Genes: CTF1 (cardiotrophin 1; plus strand), LOC130058878 (ATAC-STARR-seq lymphoblastoid silent region 7400; plus strand). Cytogenetic location: 16p11.2.
Variant type: single nucleotide variant.
Coding change: c.356T>G on transcript NM_001330.5 (MANE Select); coding-DNA position 356, T replaced by G.
Protein change: p.Leu119Arg; replaces leucine 119 with arginine.
Molecular consequence: missense variant. On other transcripts: non-coding transcript variant (1).
Genome position (GRCh38, 1-based): chr16:30,902,289, T>G. VCF-style: chr16-30902289-T-G. GRCh37 (hg19) VCF-style: chr16-30913610-T-G.
Other names: c.356T>G (NM_001330.3); c.353T>G, p.Leu118Arg (NM_001142544.3); short protein forms L118R, L119R.
Identifiers: ClinVar variation 1465781 (VCV001465781.9), dbSNP rs2055409233, ClinGen allele CA395618950.

ClinVar aggregate classification (germline): Uncertain significance. Review status: criteria provided, multiple submitters, no conflicts (2 of 4 stars). 2 submissions from 2 submitters: Uncertain significance (2). Last evaluated 2024-06-06.

Allele frequency attached by ClinVar (database versions not stated): gnomAD exomes below 0.00001; gnomAD 0.00001; 1000 Genomes Project 30x 0.00016.
gnomAD v4.1: 2 of 1,016,590 alleles (0.0002%); highest among the groups gnomAD compares: East Asian, 0.02%; no homozygotes.

Submissions (2):

Labcorp Genetics (formerly Invitae), Labcorp
Classification: Uncertain significance. Last evaluated: 2024-06-06. Review status: criteria provided, single submitter. Criteria: Invitae Variant Classification Sherloc (09022015). Collection method: clinical testing. Allele origin: germline.
Comment: This sequence change replaces leucine, which is neutral and non-polar, with arginine, which is basic and polar, at codon 119 of the CTF1 protein (p.Leu119Arg). The frequency data for this variant in the population databases is considered unreliable, as metrics indicate insufficient coverage at this position in the gnomAD database. This variant has not been reported in the literature in individuals affected with CTF1-related conditions. ClinVar contains an entry for this variant (Variation ID: 1465781). An algorithm developed to predict the effect of missense changes on protein structure and function (PolyPhen-2) suggests that this variant is likely to be disruptive. In summary, the available evidence is currently insufficient to determine the role of this variant in disease. Therefore, it has been classified as a Variant of Uncertain Significance.

Ambry Genetics
Classification: Uncertain significance. Last evaluated: 2023-05-03. Review status: criteria provided, single submitter. Criteria: Ambry Variant Classification Scheme 2023. Collection method: clinical testing. Allele origin: germline.